The following is an entry in ClinVar:

NM_004984.4(KIF5A):c.2832C>T (p.Ile944=)

Gene: KIF5A (kinesin family member 5A; plus strand). Cytogenetic location: 12q13.3.
Variant type: single nucleotide variant.
Coding change: c.2832C>T on transcript NM_004984.4 (MANE Select); coding-DNA position 2832, C replaced by T.
Protein change: p.Ile944=; no amino-acid change (isoleucine 944 retained).
Molecular consequence: synonymous variant.
Genome position (GRCh38, 1-based): chr12:57,581,491, C>T. VCF-style: chr12-57581491-C-T. GRCh37 (hg19) VCF-style: chr12-57975274-C-T.
Other names: p.Ile944=; c.2565C>T, p.Ile855= (NM_001354705.2).
Identifiers: ClinVar variation 700125 (VCV000700125.35), dbSNP rs114935472, ClinGen allele CA6653223.

ClinVar aggregate classification (germline): Benign/Likely benign. Review status: criteria provided, multiple submitters, no conflicts (2 of 4 stars). 3 submissions from 3 submitters: Benign (1); Likely benign (2). Last evaluated 2026-02-03.

Conditions:
Spastic paraplegia. Identifiers: MedGen C0037772, HP:0001258.

Allele frequency attached by ClinVar (database versions not stated): gnomAD exomes 0.00002 and 0.00006; ExAC 0.00006; 1000 Genomes Project 0.00020; gnomAD 0.00020; ESP Exome Variant Server 0.00023; TOPMed 0.00023; 1000 Genomes Project 30x 0.00047.
gnomAD v4.1: 60 of 1,614,104 alleles (0.0037%); highest among the groups gnomAD compares: African/African-American, 0.077%; no homozygotes.

Submissions (3):

Labcorp Genetics (formerly Invitae), Labcorp
Classification: Benign for Spastic paraplegia. Last evaluated: 2026-02-03. Review status: criteria provided, single submitter. Criteria: Invitae Variant Classification Sherloc (09022015). Collection method: clinical testing. Allele origin: germline.

Mayo Clinic Laboratories, Mayo Clinic
Classification: Likely benign. Last evaluated: 2025-10-21. Review status: criteria provided, single submitter. Criteria: ACMG Guidelines, 2015. Collection method: clinical testing. Allele origin: germline. Observed: 1 variant allele.
Comment: BS2, BP4, BP7

CeGaT Center for Human Genetics Tuebingen
Classification: Likely benign. Last evaluated: 2022-11-01. Review status: criteria provided, single submitter. Criteria: CeGaT Center For Human Genetics Tuebingen Variant Classification Criteria Version 2. Collection method: clinical testing. Allele origin: germline. Affected: yes. Observed: 2 variant alleles.
Comment: KIF5A: BP4, BP7